The following is an entry in ClinVar:

NM_182493.3(MYLK3):c.647C>T (p.Pro216Leu)

Gene: MYLK3 (myosin light chain kinase 3; minus strand). Cytogenetic location: 16q11.2.
Variant type: single nucleotide variant.
Coding change: c.647C>T on transcript NM_182493.3 (MANE Select); coding-DNA position 647, C replaced by T.
Protein change: p.Pro216Leu; replaces proline 216 with leucine.
Molecular consequence: missense variant. On other transcripts: intron variant (1).
Genome position (GRCh38, 1-based): chr16:46,738,065, G>A on the plus strand (C>T on the coding strand, the complement: MYLK3 is on the minus strand). VCF-style: chr16-46738065-G-A. GRCh37 (hg19) VCF-style: chr16-46771977-G-A.
Other names: c.-23+1992C>T (NM_001308301.1); short protein forms P216L.
Identifiers: ClinVar variation 2991085 (VCV002991085.3), dbSNP rs1486237273, ClinGen allele CA395794520.

ClinVar aggregate classification (germline): Uncertain significance (1 of 4 stars; one submission).

Allele frequency attached by ClinVar (database versions not stated): gnomAD exomes below 0.00001; TOPMed 0.00001; gnomAD 0.00001.
gnomAD v4.1: 6 of 1,605,850 alleles (0.00037%); highest among the groups gnomAD compares: Non-Finnish European, 0.00051%; no homozygotes.

Submission:

Labcorp Genetics (formerly Invitae), Labcorp
Classification: Uncertain significance. Last evaluated: 2025-09-05. Review status: criteria provided, single submitter. Criteria: Invitae Variant Classification Sherloc (09022015). Collection method: clinical testing. Allele origin: germline.
Comment: This sequence change replaces proline, which is neutral and non-polar, with leucine, which is neutral and non-polar, at codon 216 of the MYLK3 protein (p.Pro216Leu). The frequency data for this variant in the population databases is considered unreliable, as metrics indicate poor data quality at this position in the gnomAD database. This variant has not been reported in the literature in individuals affected with MYLK3-related conditions. ClinVar contains an entry for this variant (Variation ID: 2991085). An algorithm developed to predict the effect of missense changes on protein structure and function outputs the following: PolyPhen-2: "Benign". The leucine amino acid residue is found in multiple mammalian species, which suggests that this missense change does not adversely affect protein function. In summary, the available evidence is currently insufficient to determine the role of this variant in disease. Therefore, it has been classified as a Variant of Uncertain Significance.